The following is an entry in ClinVar:

NC_000002.12:g.(?_51026351)_(51032054_?)del

Gene: NRXN1 (neurexin 1; minus strand). Cytogenetic location: 2p16.3.
Variant type: Deletion.
Identifiers: ClinVar variation 584106 (VCV000584106.4).

ClinVar aggregate classification (germline): Pathogenic (1 of 4 stars; one submission).

Conditions:
Pitt-Hopkins-like syndrome 2 (PTHSL2). Identifiers: Orphanet 221150, Orphanet 600663, MedGen C3280479, MONDO:0013690, OMIM 614325.

Submission:

Labcorp Genetics (formerly Invitae), Labcorp
Classification: Pathogenic for Pitt-Hopkins-like syndrome 2. Last evaluated: 2022-06-14. Review status: criteria provided, single submitter. Criteria: Invitae Variant Classification Sherloc (09022015). Collection method: clinical testing. Allele origin: germline.
Comment: For these reasons, this variant has been classified as Pathogenic. A similar copy number variant has been observed in individual(s) with intellectual disability, developmental delay, autism, and seizures (PMID: 22617343, 23472757, 23533028). This variant is a gross deletion of the genomic region encompassing exon(s) 1-3 of the NRXN1 gene, which includes the initiator codon. This deletion extends beyond the assayed region for this gene and therefore may encompass additional genes. It is expected to result in an absent or disrupted protein product. Loss-of-function variants in NRXN1 are known to be pathogenic (PMID: 19896112, 21964664, 23495017, 23533028, 25149956, 30031152).

Literature cited by the submitters: PubMed 22617343; PubMed 23472757; PubMed 23533028; PubMed 19896112; PubMed 21964664; PubMed 23495017; PubMed 25149956; PubMed 30031152.